The following is an entry in ClinVar:

ClinVar aggregate classification (germline): Benign. Review status: reviewed by expert panel (3 of 4 stars). 27 submissions from 25 submitters: Benign (1). 26 of the submissions do not count toward it. Last evaluated 2017-06-29.

Conditions:
Breast and/or ovarian cancer. Identifiers: MedGen CN221562.
Hereditary cancer-predisposing syndrome. Also called: Neoplastic Syndromes, Hereditary; Tumor predisposition; Hereditary Cancer Syndrome; Hereditary neoplastic syndrome. Identifiers: Orphanet 140162, MedGen C0027672, MeSH D009386, MONDO:0015356.
Hereditary breast ovarian cancer syndrome. Also called: Hereditary breast and/or ovarian cancer syndrome; Hereditary breast and ovarian cancer syndrome; Hereditary breast and ovarian cancer; Hereditary breast and ovarian cancer syndrome (HBOC); Breast and ovarian cancer; BRCA1- and BRCA2-Associated Hereditary Breast and Ovarian Cancer. Identifiers: Orphanet 145, MedGen C0677776, MeSH D061325, MONDO:0003582. Disease mechanism: loss of function.
Fanconi anemia complementation group D1. Also called: BRCA2-Related Fanconi Anemia. Identifiers: Orphanet 319462, MedGen C1838457, MONDO:0011584, OMIM 605724.
Breast-ovarian cancer, familial, susceptibility to, 2 (BROVCA2). Also called: BRCA2 Hereditary Breast and Ovarian Cancer. Identifiers: Orphanet 145, MedGen C2675520, MONDO:0012933, OMIM 612555. Disease mechanism: loss of function.
Familial cancer of breast. Also called: Hereditary breast cancer; BREAST CANCER, FAMILIAL; hereditary breast carcinoma. Identifiers: Orphanet 227535, MedGen C0346153, MONDO:0016419, OMIM 114480. Disease mechanism: loss of function.
Malignant tumor of breast. Also called: Malignant breast neoplasm; Cancer breast. Identifiers: MedGen C0006142, MONDO:0007254. Disease mechanism: loss of function.

Allele frequency attached by ClinVar (database versions not stated): gnomAD 0.00044 and 0.00020; gnomAD exomes 0.00059 and 0.00108; ExAC 0.00107; TOPMed 0.00019; ESP Exome Variant Server 0.00023; 1000 Genomes Project 30x 0.00172; 1000 Genomes Project 0.00200.
gnomAD v4.1: 934 of 1,614,046 alleles (0.058%); highest among the groups gnomAD compares: South Asian, 0.77%; 11 homozygotes.

Submissions (27):

Evidence-based Network for the Interpretation of Germline Mutant Alleles (ENIGMA)
Classification: Benign for Breast-ovarian cancer, familial, susceptibility to, 2. Last evaluated: 2017-06-29. Review status: reviewed by expert panel. Criteria: ENIGMA BRCA1/2 Classification Criteria (2017-06-29). Collection method: curation. Allele origin: germline.
Comment: Synonymous substitution variant, with low bioinformatic likelihood to alter mRNA splicing (splicing prior 0.02) and frequency 0.0069 (South Asian), derived from ExAC (2014-12-17).

CeGaT Center for Human Genetics Tuebingen
Classification: Likely benign. Last evaluated: 2026-07-01. Review status: criteria provided, single submitter. Criteria: CeGaT Center For Human Genetics Tuebingen Variant Classification Criteria Version 2. Collection method: clinical testing. Allele origin: germline. Affected: yes. Observed: 11 variant alleles. Not counted in ClinVar's aggregate classification.
Comment: BRCA2: BP4, BP7

Labcorp Genetics (formerly Invitae), Labcorp
Classification: Benign for Hereditary breast ovarian cancer syndrome. Last evaluated: 2026-02-03. Review status: criteria provided, single submitter. Criteria: Invitae Variant Classification Sherloc (09022015). Collection method: clinical testing. Allele origin: germline. Not counted in ClinVar's aggregate classification.

Mayo Clinic Laboratories, Mayo Clinic
Classification: Benign. Last evaluated: 2025-07-01. Review status: criteria provided, single submitter. Criteria: ACMG Guidelines, 2015. Collection method: clinical testing. Allele origin: germline. Observed: 2 variant alleles. Not counted in ClinVar's aggregate classification.
Comment: BA1, BP4, BP7

ARUP Laboratories, Molecular Genetics and Genomics, ARUP Laboratories
Classification: Benign. Last evaluated: 2025-05-26. Review status: criteria provided, single submitter. Criteria: ARUP Molecular Germline Variant Investigation Process 2024. Collection method: clinical testing. Allele origin: germline. Not counted in ClinVar's aggregate classification.

Center for Genomic Medicine, Rigshospitalet, Copenhagen University Hospital
Classification: Benign. Last evaluated: 2025-03-04. Review status: criteria provided, single submitter. Criteria: ACMG Guidelines, 2015. Collection method: clinical testing. Allele origin: germline. Not counted in ClinVar's aggregate classification.

KCCC/NGS Laboratory, Kuwait Cancer Control Center
Classification: Benign for Familial cancer of breast. Last evaluated: 2025-02-01. Review status: criteria provided, single submitter. Criteria: ACMG Guidelines, 2015. Collection method: clinical testing. Allele origin: germline. Affected: no. Not counted in ClinVar's aggregate classification.

Blueprint Genetics
Classification: Likely benign. Last evaluated: 2024-09-05. Review status: criteria provided, single submitter. Criteria: ACMG Guidelines, 2015. Collection method: clinical testing. Allele origin: germline. Not counted in ClinVar's aggregate classification.

KCCC/NGS Laboratory, Kuwait Cancer Control Center
Classification: Benign for Breast-ovarian cancer, familial, susceptibility to, 2. Last evaluated: 2023-07-07. Review status: criteria provided, single submitter. Criteria: ACMG Guidelines, 2015. Collection method: clinical testing. Allele origin: germline. Affected: yes. Not counted in ClinVar's aggregate classification.

CHEO Genetics Diagnostic Laboratory, Children's Hospital of Eastern Ontario
Classification: Likely benign for Breast and/or ovarian cancer. Last evaluated: 2023-05-26. Review status: criteria provided, single submitter. Criteria: ACMG Guidelines, 2015. Collection method: clinical testing. Allele origin: germline. Not counted in ClinVar's aggregate classification.

Institute for Biomarker Research, Medical Diagnostic Laboratories, L.L.C.
Classification: Benign for Hereditary breast ovarian cancer syndrome. Last evaluated: 2022-11-22. Review status: criteria provided, single submitter. Criteria: ACMG Guidelines, 2015. Collection method: clinical testing. Allele origin: germline. Not counted in ClinVar's aggregate classification.

National Health Laboratory Service, Universitas Academic Hospital and University of the Free State
Classification: Benign for Hereditary breast ovarian cancer syndrome. Last evaluated: 2022-04-19. Review status: criteria provided, single submitter. Criteria: ACMG Guidelines, 2015. Collection method: clinical testing. Allele origin: germline. Affected: yes. Observed: 11 variant alleles. Not counted in ClinVar's aggregate classification.

Genetic Services Laboratory, University of Chicago
Classification: Likely benign. Last evaluated: 2021-08-24. Review status: criteria provided, single submitter. Criteria: ACMG Guidelines, 2015. Collection method: clinical testing. Allele origin: germline. Affected: no. Not counted in ClinVar's aggregate classification.

Sema4
Classification: Benign for Hereditary cancer-predisposing syndrome. Last evaluated: 2020-10-12. Review status: criteria provided, single submitter. Criteria: Sema4 Curation Guidelines. Collection method: curation. Allele origin: germline. Not counted in ClinVar's aggregate classification.

Illumina Laboratory Services, Illumina
Classification: Likely benign for Breast-ovarian cancer, familial, susceptibility to, 2. Last evaluated: 2018-01-13. Review status: criteria provided, single submitter. Criteria: ICSL Variant Classification Criteria 13 December 2019. Collection method: clinical testing. Allele origin: germline. Not counted in ClinVar's aggregate classification.
Comment: This variant was observed in the ICSL laboratory as part of a predisposition screen in an ostensibly healthy population. It had not been previously curated by ICSL or reported in the Human Gene Mutation Database (HGMD: prior to June 1st, 2018), and was therefore a candidate for classification through an automated scoring system. Utilizing variant allele frequency, disease prevalence and penetrance estimates, and inheritance mode, an automated score was calculated to assess if this variant is too frequent to cause the disease. Based on the score and internal cut-off values, a variant classified as likely benign is not then subjected to further curation. The score for this variant resulted in a classification of likely benign for this disease.

Illumina Laboratory Services, Illumina
Classification: Likely benign for Fanconi anemia complementation group D1. Last evaluated: 2018-01-13. Review status: criteria provided, single submitter. Criteria: ICSL Variant Classification Criteria 13 December 2019. Collection method: clinical testing. Allele origin: germline. Not counted in ClinVar's aggregate classification.
Comment: the same text as in the submission from Illumina Laboratory Services, Illumina above.

PreventionGenetics, part of Exact Sciences
Classification: Benign. Last evaluated: 2017-09-01. Review status: criteria provided, single submitter. Criteria: ACMG Guidelines, 2015. Collection method: clinical testing. Allele origin: germline. Not counted in ClinVar's aggregate classification.

Color Diagnostics, LLC DBA Color Health
Classification: Likely benign for Hereditary cancer-predisposing syndrome. Last evaluated: 2015-04-02. Review status: criteria provided, single submitter. Criteria: ACMG Guidelines, 2015. Collection method: clinical testing. Allele origin: germline. Not counted in ClinVar's aggregate classification.

Ambry Genetics
Classification: Likely benign for Hereditary cancer-predisposing syndrome. Last evaluated: 2014-07-04. Review status: criteria provided, single submitter. Criteria: Ambry Variant Classification Scheme 2023. Collection method: clinical testing. Allele origin: germline. Not counted in ClinVar's aggregate classification.

Breakthrough Genomics
Classification: Benign. Review status: criteria provided, single submitter. Criteria: ACMG Guidelines, 2015. Collection method: not provided. Allele origin: germline. Inheritance: Autosomal recessive inheritance. Affected: yes. Not counted in ClinVar's aggregate classification.

Breast Cancer Information Core (BIC) (BRCA2)
Classification: Benign for Breast-ovarian cancer, familial 2. Last evaluated: 2010-09-18. Review status: no assertion criteria provided. Collection method: clinical testing. Allele origin: germline. Affected: yes. Observed: 1 variant allele. Not counted in ClinVar's aggregate classification.

Clinical Genetics DNA and cytogenetics Diagnostics Lab, Erasmus MC, Erasmus Medical Center
Classification: Likely benign. Review status: no assertion criteria provided. Collection method: clinical testing. Allele origin: germline. Affected: yes. Study: VKGL Data-share Consensus. Not counted in ClinVar's aggregate classification.

Clinical Genetics Laboratory, Department of Pathology, Netherlands Cancer Institute
Classification: Benign. Review status: no assertion criteria provided. Collection method: clinical testing. Allele origin: germline. Affected: yes. Study: VKGL Data-share Consensus. Not counted in ClinVar's aggregate classification.

Department of Pathology and Laboratory Medicine, Sinai Health System
Classification: Benign for Malignant tumor of breast. Review status: no assertion criteria provided. Collection method: clinical testing. Allele origin: unknown. Affected: yes. Study: The Canadian Open Genetics Repository (COGR). Not counted in ClinVar's aggregate classification.

Genome Diagnostics Laboratory, University Medical Center Utrecht
Classification: Benign. Review status: no assertion criteria provided. Collection method: clinical testing. Allele origin: germline. Affected: yes. Study: VKGL Data-share Consensus. Not counted in ClinVar's aggregate classification.

Joint Genome Diagnostic Labs from Nijmegen and Maastricht, Radboudumc and MUMC+
Classification: Likely benign. Review status: no assertion criteria provided. Collection method: clinical testing. Allele origin: germline. Affected: yes. Study: VKGL Data-share Consensus. Not counted in ClinVar's aggregate classification.

Laboratory of Diagnostic Genome Analysis, Leiden University Medical Center (LUMC)
Classification: Benign. Review status: no assertion criteria provided. Collection method: clinical testing. Allele origin: germline. Affected: yes. Study: VKGL Data-share Consensus. Not counted in ClinVar's aggregate classification.

Literature cited by the submitters: DOI 10.3389/fgene.2022.834265 (cited by National Health Laboratory Service, Universitas Academic Hospital and University of the Free State).

NM_000059.4(BRCA2):c.198A>G (p.Gln66=)

Gene: BRCA2 (BRCA2 DNA repair associated; plus strand). Cytogenetic location: 13q13.1.
Variant type: single nucleotide variant.
Coding change: c.198A>G on transcript NM_000059.4 (MANE Select); coding-DNA position 198, A replaced by G.
Protein change: p.Gln66=; no amino-acid change (glutamine 66 retained).
Molecular consequence: synonymous variant.
Genome position (GRCh38, 1-based): chr13:32,319,207, A>G. VCF-style: chr13-32319207-A-G. GRCh37 (hg19) VCF-style: chr13-32893344-A-G.
Other names: 426A>G; NP_000050.3:p.Gln66=; p.Gln66=.
Identifiers: ClinVar variation 51234 (VCV000051234.88), dbSNP rs28897700, ClinGen allele CA014082.
Genomic context (GRCh38, chr13:32,319,207, plus strand): 5'-TGCAGAAGAATCTGAACATAAAAACAACAATTACGAACCAAACCTATTTAAAACTCCACA[A>G]AGGAAACCATCTTATAATCAGCTGGCTTCAACTCCAATAATATTCAAAGAGCAAGGGCTG-3'
Protein context (NP_000050.3, residues 56-76): NYEPNLFKTP[Gln66=]RKPSYNQLAS